The following is an entry in ClinVar:

NM_020762.4(SRGAP1):c.44C>G (p.Ala15Gly)

Gene: SRGAP1 (SLIT-ROBO Rho GTPase activating protein 1; plus strand). Cytogenetic location: 12q14.2.
Variant type: single nucleotide variant.
Coding change: c.44C>G on transcript NM_020762.4 (MANE Select); coding-DNA position 44, C replaced by G.
Protein change: p.Ala15Gly; replaces alanine 15 with glycine.
Molecular consequence: missense variant.
Genome position (GRCh38, 1-based): chr12:63,844,860, C>G. VCF-style: chr12-63844860-C-G. GRCh37 (hg19) VCF-style: chr12-64238640-C-G.
Other names: c.44C>G (NM_020762.3); c.44C>G, p.Ala15Gly (NM_001346201.2); short protein forms A15G.
Identifiers: ClinVar variation 4174801 (VCV004174801.2).

ClinVar aggregate classification (germline): Uncertain significance. Review status: criteria provided, multiple submitters, no conflicts (2 of 4 stars). 2 submissions from 2 submitters: Uncertain significance (2). Last evaluated 2025-11-07.

Conditions:
SRGAP1-related disorder. Also called: SRGAP1-related condition.

gnomAD v4.1: 18 of 1,614,044 alleles (0.0011%); highest among the groups gnomAD compares: Non-Finnish European, 0.0014%; no homozygotes.

Submissions (2):

PreventionGenetics, part of Exact Sciences
Classification: Uncertain significance for SRGAP1-related condition. Last evaluated: 2025-11-07. Review status: criteria provided, single submitter. Criteria: ACMG Guidelines, 2015. Collection method: clinical testing. Allele origin: germline.
Comment: The SRGAP1 c.44C>G variant is predicted to result in the amino acid substitution p.Ala15Gly. To our knowledge, this variant has not been reported in the literature. This variant is reported in 0.00088% of alleles in individuals of European (Non-Finnish) descent in gnomAD. At this time, the clinical significance of this variant is uncertain due to the absence of conclusive functional and genetic evidence.

Ambry Genetics
Classification: Uncertain significance. Last evaluated: 2025-08-13. Review status: criteria provided, single submitter. Criteria: Ambry Variant Classification Scheme 2023. Collection method: clinical testing. Allele origin: germline.